The following is an entry in ClinVar:

ClinVar aggregate classification (germline): Likely benign (1 of 4 stars; one submission).

Submission:

CeGaT Center for Human Genetics Tuebingen
Classification: Likely benign. Last evaluated: 2024-06-01. Review status: criteria provided, single submitter. Criteria: CeGaT Center For Human Genetics Tuebingen Variant Classification Criteria Version 2. Collection method: clinical testing. Allele origin: germline. Affected: yes. Observed: 1 variant allele.
Comment: NDUFS8: BP4, BP7

NM_002496.4(NDUFS8):c.423C>G (p.Thr141=)

Gene: NDUFS8 (NADH:ubiquinone oxidoreductase core subunit S8; plus strand). Cytogenetic location: 11q13.2.
Variant type: single nucleotide variant.
Coding change: c.423C>G on transcript NM_002496.4 (MANE Select); coding-DNA position 423, C replaced by G.
Protein change: p.Thr141=; no amino-acid change (threonine 141 retained).
Molecular consequence: synonymous variant.
Genome position (GRCh38, 1-based): chr11:68,036,303, C>G. VCF-style: chr11-68036303-C-G. GRCh37 (hg19) VCF-style: chr11-67803770-C-G.
Identifiers: ClinVar variation 3250548 (VCV003250548.18), dbSNP rs746147884.
Genomic context (GRCh38, chr11:68,036,303, plus strand): 5'-CCTCCCGCAGGCCATCACCATCGAGGCTGAGCCAAGAGCTGATGGCAGCCGCCGGACCAC[C>G]CGCTATGACATCGACATGACCAAGTGCATCTACTGCGGCTTCTGCCAGGAGGCCTGTCCC-3'
Protein context (NP_002487.1, residues 131-151): EPRADGSRRT[Thr141=]RYDIDMTKCI